The following is an entry in ClinVar:

NM_002519.3(NPAT):c.862C>T (p.Pro288Ser)

Gene: NPAT (nuclear protein, coactivator of histone transcription; minus strand). Cytogenetic location: 11q22.3.
Variant type: single nucleotide variant.
Coding change: c.862C>T on transcript NM_002519.3 (MANE Select); coding-DNA position 862, C replaced by T.
Protein change: p.Pro288Ser; replaces proline 288 with serine.
Molecular consequence: missense variant.
Genome position (GRCh38, 1-based): chr11:108,185,276, G>A on the plus strand (C>T on the coding strand, the complement: NPAT is on the minus strand). VCF-style: chr11-108185276-G-A. GRCh37 (hg19) VCF-style: chr11-108056003-G-A.
Other names: c.862C>T, p.Pro288Ser (NM_001321307.1); short protein forms P288S.
Identifiers: ClinVar variation 1764098 (VCV001764098.3), dbSNP rs1337522849, ClinGen allele CA382519966.

ClinVar aggregate classification (germline): Uncertain significance. Review status: criteria provided, multiple submitters, no conflicts (2 of 4 stars). 2 submissions from 2 submitters: Uncertain significance (2). Last evaluated 2025-03-12.

gnomAD v4.1: 3 of 1,612,308 alleles (0.00019%); highest among the groups gnomAD compares: South Asian, 0.0011%; no homozygotes.

Submissions (2):

Labcorp Genetics (formerly Invitae), Labcorp
Classification: Uncertain significance. Last evaluated: 2025-03-12. Review status: criteria provided, single submitter. Criteria: Invitae Variant Classification Sherloc (09022015). Collection method: clinical testing. Allele origin: germline.
Comment: This sequence change replaces proline, which is neutral and non-polar, with serine, which is neutral and polar, at codon 288 of the NPAT protein (p.Pro288Ser). This variant is not present in population databases (gnomAD no frequency). This variant has not been reported in the literature in individuals affected with NPAT-related conditions. ClinVar contains an entry for this variant (Variation ID: 1764098). An algorithm developed to predict the effect of missense changes on protein structure and function (PolyPhen-2) suggests that this variant is likely to be disruptive. In summary, the available evidence is currently insufficient to determine the role of this variant in disease. Therefore, it has been classified as a Variant of Uncertain Significance.

Ambry Genetics
Classification: Uncertain significance. Last evaluated: 2021-11-13. Review status: criteria provided, single submitter. Criteria: Ambry Variant Classification Scheme 2023. Collection method: clinical testing. Allele origin: germline.
Comment: The p.P288S variant (also known as c.862C>T), located in coding exon 10 of the NPAT gene, results from a C to T substitution at nucleotide position 862. The proline at codon 288 is replaced by serine, an amino acid with similar properties. This amino acid position is conserved. In addition, this alteration is predicted to be tolerated by in silico analysis. Since supporting evidence is limited at this time, the clinical significance of this alteration remains unclear.